The following is an entry in ClinVar:

ClinVar aggregate classification (germline): Uncertain significance (1 of 4 stars; one submission).

Conditions:
Hereditary cancer-predisposing syndrome. Also called: Hereditary Cancer Syndrome; Neoplastic Syndromes, Hereditary; Tumor predisposition; Hereditary neoplastic syndrome. Identifiers: Orphanet 140162, MedGen C0027672, MeSH D009386, MONDO:0015356.

Submission:

Color Diagnostics, LLC DBA Color Health
Classification: Uncertain significance for Hereditary cancer-predisposing syndrome. Last evaluated: 2023-12-05. Review status: criteria provided, single submitter. Criteria: ACMG Guidelines, 2015. Collection method: clinical testing. Allele origin: germline.
Comment: This missense variant replaces serine with tyrosine at codon 310 of the BARD1 protein. Computational prediction suggests that this variant may not impact protein structure and function (internally defined REVEL score threshold <= 0.5, PMID: 27666373). To our knowledge, functional studies have not been reported for this variant. This variant has not been reported in individuals affected with BARD1-related disorders in the literature. This variant has not been identified in the general population by the Genome Aggregation Database (gnomAD). The available evidence is insufficient to determine the role of this variant in disease conclusively. Therefore, this variant is classified as a Variant of Uncertain Significance.

NM_000465.4(BARD1):c.929C>A (p.Ser310Tyr)

Gene: BARD1 (BRCA1 associated RING domain 1; minus strand). Cytogenetic location: 2q35.
Variant type: single nucleotide variant.
Coding change: c.929C>A on transcript NM_000465.4 (MANE Select); coding-DNA position 929, C replaced by A.
Protein change: p.Ser310Tyr; replaces serine 310 with tyrosine.
Molecular consequence: missense variant. On other transcripts: non-coding transcript variant (2), intron variant (3).
Genome position (GRCh38, 1-based): chr2:214,780,945, G>T on the plus strand (C>A on the coding strand, the complement: BARD1 is on the minus strand). VCF-style: chr2-214780945-G-T. GRCh37 (hg19) VCF-style: chr2-215645669-G-T.
Other names: c.872C>A, p.Ser291Tyr (NM_001282543.2); c.159-28390C>A (NM_001282548.2); c.215+16116C>A (NM_001282545.2); c.364+11352C>A (NM_001282549.2); short protein forms S310Y, S291Y.
Identifiers: ClinVar variation 489678 (VCV000489678.6), dbSNP rs1553622340, ClinGen allele CA350455002.
Genomic context (GRCh38, chr2:214,780,945, plus strand): 5'-CTGGAAAGTCTATTGTGATGGCCACGTTTTCCATTATTTTCTAATGGCAAAGATTTCTTA[G>T]ATGTAAGATAATTTTTGCAGACCTTCTCAGGAGTCACTACTTCATTCCTGCTCTTAGTGT-3'
Protein context (NP_000456.2, residues 300-320): PEKVCKNYLT[Ser310Tyr]KKSLPLENNG